The following is an entry in ClinVar:

NM_000355.4(TCN2):c.362G>A (p.Gly121Asp)

Gene: TCN2 (transcobalamin 2; plus strand). Cytogenetic location: 22q12.2.
Variant type: single nucleotide variant.
Coding change: c.362G>A on transcript NM_000355.4 (MANE Select); coding-DNA position 362, G replaced by A.
Protein change: p.Gly121Asp; replaces glycine 121 with aspartic acid.
Molecular consequence: missense variant. On other transcripts: intron variant (1).
Genome position (GRCh38, 1-based): chr22:30,612,977, G>A. VCF-style: chr22-30612977-G-A. GRCh37 (hg19) VCF-style: chr22-31008964-G-A.
Other names: c.346+16G>A (NM_001184726.2); short protein forms G121D.
Identifiers: ClinVar variation 665173 (VCV000665173.8), dbSNP rs1602045889, ClinGen allele CA411208862.

ClinVar aggregate classification (germline): Uncertain significance (1 of 4 stars; one submission).

Conditions:
Transcobalamin II deficiency (TCN2D). Also called: Transcolabamin II deficiency; TC II DEFICIENCY; TCN2 DEFICIENCY. Identifiers: Orphanet 859, MedGen C0342701, MONDO:0010149, OMIM 275350.

Allele frequency attached by ClinVar (database versions not stated): gnomAD exomes 0.00001.
gnomAD v4.1: 3 of 1,614,198 alleles (0.00019%); highest among the groups gnomAD compares: Non-Finnish European, 0.00025%; no homozygotes.

Submission:

Labcorp Genetics (formerly Invitae), Labcorp
Classification: Uncertain significance for Transcobalamin II deficiency. Last evaluated: 2018-10-17. Review status: criteria provided, single submitter. Criteria: Invitae Variant Classification Sherloc (09022015). Collection method: clinical testing. Allele origin: germline.
Comment: In summary, the available evidence is currently insufficient to determine the role of this variant in disease. Therefore, it has been classified as a Variant of Uncertain Significance. Algorithms developed to predict the effect of missense changes on protein structure and function (SIFT, PolyPhen-2, Align-GVGD) all suggest that this variant is likely to be tolerated, but these predictions have not been confirmed by published functional studies and their clinical significance is uncertain. This variant has not been reported in the literature in individuals with TCN2-related disease. This variant is not present in population databases (ExAC no frequency). This sequence change replaces glycine with aspartic acid at codon 121 of the TCN2 protein (p.Gly121Asp). The glycine residue is moderately conserved and there is a moderate physicochemical difference between glycine and aspartic acid.